The following is an entry in ClinVar:

NM_004168.4(SDHA):c.1289A>G (p.Gln430Arg)

Gene: SDHA (succinate dehydrogenase complex flavoprotein subunit A; plus strand). Cytogenetic location: 5p15.33.
Variant type: single nucleotide variant.
Coding change: c.1289A>G on transcript NM_004168.4 (MANE Select); coding-DNA position 1289, A replaced by G.
Protein change: p.Gln430Arg; replaces glutamine 430 with arginine.
Molecular consequence: missense variant.
Genome position (GRCh38, 1-based): chr5:236,456, A>G. VCF-style: chr5-236456-A-G. GRCh37 (hg19) VCF-style: chr5-236571-A-G.
Other names: c.1145A>G, p.Gln382Arg (NM_001294332.2); c.1289A>G, p.Gln430Arg (NM_001330758.2); short protein forms Q382R, Q430R.
Identifiers: ClinVar variation 2567103 (VCV002567103.5), dbSNP rs2477374679, ClinGen allele CA359013859.

ClinVar aggregate classification (germline): Uncertain significance. Review status: criteria provided, multiple submitters, no conflicts (2 of 4 stars). 2 submissions from 2 submitters: Uncertain significance (2). Last evaluated 2023-09-18.

Conditions:
Mitochondrial complex II deficiency, nuclear type 1. Also called: SUCCINATE CoQ REDUCTASE DEFICIENCY. Identifiers: Orphanet 3208, MedGen C5700310, MONDO:0100294, OMIM 252011.
Pheochromocytoma/paraganglioma syndrome 5. Also called: Paragangliomas 5; SDHA-Related Hereditary Paraganglioma-Pheochromocytoma Syndrome. Identifiers: Orphanet 29072, MedGen C3279992, MONDO:0013602, OMIM 614165.
Hereditary cancer-predisposing syndrome. Also called: Neoplastic Syndromes, Hereditary; Tumor predisposition; Hereditary Cancer Syndrome; Hereditary neoplastic syndrome. Identifiers: Orphanet 140162, MedGen C0027672, MeSH D009386, MONDO:0015356.

Submissions (2):

Labcorp Genetics (formerly Invitae), Labcorp
Classification: Uncertain significance for Pheochromocytoma/paraganglioma syndrome 5; Mitochondrial complex II deficiency, nuclear type 1. Last evaluated: 2023-09-18. Review status: criteria provided, single submitter. Criteria: Invitae Variant Classification Sherloc (09022015). Collection method: clinical testing. Allele origin: germline.
Comment: This sequence change replaces glutamine, which is neutral and polar, with arginine, which is basic and polar, at codon 430 of the SDHA protein (p.Gln430Arg). This variant is not present in population databases (gnomAD no frequency). This variant has not been reported in the literature in individuals affected with SDHA-related conditions. ClinVar contains an entry for this variant (Variation ID: 2567103). Advanced modeling of protein sequence and biophysical properties (such as structural, functional, and spatial information, amino acid conservation, physicochemical variation, residue mobility, and thermodynamic stability) performed at Invitae indicates that this missense variant is not expected to disrupt SDHA protein function. In summary, the available evidence is currently insufficient to determine the role of this variant in disease. Therefore, it has been classified as a Variant of Uncertain Significance.

Ambry Genetics
Classification: Uncertain significance for Hereditary cancer-predisposing syndrome. Last evaluated: 2023-05-19. Review status: criteria provided, single submitter. Criteria: Ambry Variant Classification Scheme 2023. Collection method: clinical testing. Allele origin: germline.
Comment: The p.Q430R variant (also known as c.1289A>G), located in coding exon 10 of the SDHA gene, results from an A to G substitution at nucleotide position 1289. The glutamine at codon 430 is replaced by arginine, an amino acid with highly similar properties. This amino acid position is conserved. In addition, this alteration is predicted to be tolerated by in silico analysis. Since supporting evidence is limited at this time, the clinical significance of this alteration remains unclear.